The following is an entry in ClinVar:

ClinVar aggregate classification (germline): Conflicting classifications of pathogenicity. Review status: criteria provided, conflicting classifications (1 of 4 stars). 2 submissions from 2 submitters: Likely pathogenic (1); Uncertain significance (1). Last evaluated 2019-09-17.

Conditions:
Epilepsy, idiopathic generalized, susceptibility to, 13. Also called: EPILEPSY, JUVENILE MYOCLONIC, SUSCEPTIBILITY TO, 5. Identifiers: Orphanet 307, Orphanet 64280, MedGen C4013473, MONDO:0012627, OMIM 611136.
Epilepsy, childhood absence 4 (ECA4). Also called: EPILEPSY, CHILDHOOD ABSENCE, SUSCEPTIBILITY TO, 4. Identifiers: Orphanet 307, MedGen C1970160.
Idiopathic generalized epilepsy. Also called: EIG; Generalised epilepsy. Identifiers: MedGen C0270850, MONDO:0005579, OMIM 600669.

Submissions (2):

GeneDx
Classification: Likely pathogenic. Last evaluated: 2019-09-17. Review status: criteria provided, single submitter. Criteria: GeneDx Variant Classification Process June 2021. Collection method: clinical testing. Allele origin: germline. Affected: yes.
Comment: Not observed in large population cohorts (Lek et al., 2016); In silico analysis, which includes protein predictors and evolutionary conservation, supports a deleterious effect; Has not been previously published as pathogenic or benign to our knowledge

Labcorp Genetics (formerly Invitae), Labcorp
Classification: Uncertain significance for Epilepsy, childhood absence 4; Epilepsy, idiopathic generalized, susceptibility to, 13; Idiopathic generalized epilepsy. Last evaluated: 2018-09-11. Review status: criteria provided, single submitter. Criteria: Invitae Variant Classification Sherloc (09022015). Collection method: clinical testing. Allele origin: germline.
Comment: In summary, the available evidence is currently insufficient to determine the role of this variant in disease. Therefore, it has been classified as a Variant of Uncertain Significance. Algorithms developed to predict the effect of missense changes on protein structure and function are either unavailable or do not agree on the potential impact of this missense change (SIFT: "Tolerated"; PolyPhen-2: "Probably Damaging"; Align-GVGD: "Class C0"). This variant has not been reported in the literature in individuals with GABRA1-related disease. This variant is not present in population databases (ExAC no frequency). This sequence change replaces threonine with isoleucine at codon 311 of the GABRA1 protein (p.Thr311Ile). The threonine residue is highly conserved and there is a moderate physicochemical difference between threonine and isoleucine.

NM_001127644.2(GABRA1):c.932C>T (p.Thr311Ile)

Gene: GABRA1 (gamma-aminobutyric acid type A receptor subunit alpha1; plus strand). Cytogenetic location: 5q34.
Variant type: single nucleotide variant.
Coding change: c.932C>T on transcript NM_001127644.2 (MANE Select); coding-DNA position 932, C replaced by T.
Protein change: p.Thr311Ile; replaces threonine 311 with isoleucine.
Molecular consequence: missense variant.
Genome position (GRCh38, 1-based): chr5:161,895,741, C>T. VCF-style: chr5-161895741-C-T. GRCh37 (hg19) VCF-style: chr5-161322747-C-T.
Other names: c.932C>T, p.Thr311Ile (NM_000806.5, NM_001127643.2, NM_001127645.2 and 1 more transcripts); short protein forms T311I.
Identifiers: ClinVar variation 655593 (VCV000655593.11), dbSNP rs1581220210, ClinGen allele CA362180223.
Genomic context (GRCh38, chr5:161,895,741, plus strand): 5'-TCACCATGACAACATTGAGCATCAGTGCCAGAAACTCCCTCCCTAAGGTGGCTTATGCAA[C>T]AGCTATGGATTGGTTTATTGCCGTGTGCTATGCCTTTGTGTTCTCAGCTCTGATTGAGTT-3'
Protein context (NP_001121116.1, residues 301-321): RNSLPKVAYA[Thr311Ile]AMDWFIAVCY